The following is an entry in ClinVar:

NM_002834.5(PTPN11):c.590A>G (p.Tyr197Cys)

Gene: PTPN11 (protein tyrosine phosphatase non-receptor type 11; plus strand). Cytogenetic location: 12q24.13.
Variant type: single nucleotide variant.
Coding change: c.590A>G on transcript NM_002834.5 (MANE Select); coding-DNA position 590, A replaced by G.
Protein change: p.Tyr197Cys; replaces tyrosine 197 with cysteine.
Molecular consequence: missense variant.
Genome position (GRCh38, 1-based): chr12:112,454,628, A>G. VCF-style: chr12-112454628-A-G. GRCh37 (hg19) VCF-style: chr12-112892432-A-G.
Other names: c.590A>G, p.Tyr197Cys (NM_001330437.2, NM_080601.3); c.587A>G, p.Tyr196Cys (NM_001374625.1); short protein forms Y196C, Y197C.
Identifiers: ClinVar variation 4079828 (VCV004079828.2).

ClinVar aggregate classification (germline): Uncertain significance. Review status: criteria provided, multiple submitters, no conflicts (2 of 4 stars). 2 submissions from 2 submitters: Uncertain significance (2). Last evaluated 2026-07-17.

Conditions:
Cardiovascular phenotype. Identifiers: MedGen CN230736.

gnomAD v4.1: 2 of 1,613,818 alleles (0.00012%); highest among the groups gnomAD compares: Non-Finnish European, 0.00017%; no homozygotes.

Submissions (2):

Ambry Genetics
Classification: Uncertain significance for Cardiovascular phenotype. Last evaluated: 2026-07-17. Review status: criteria provided, single submitter. Criteria: Ambry Variant Classification Scheme 2023. Collection method: clinical testing. Allele origin: germline.
Comment: The p.Y197C variant (also known as c.590A>G), located in coding exon 5 of the PTPN11 gene, results from an A to G substitution at nucleotide position 590. The tyrosine at codon 197 is replaced by cysteine, an amino acid with highly dissimilar properties. This amino acid position is conserved. In addition, this alteration is predicted to be deleterious by in silico analysis. Based on the available evidence, the clinical significance of this variant remains unclear.

Revvity Omics, Revvity
Classification: Uncertain significance. Last evaluated: 2025-06-17. Review status: criteria provided, single submitter. Criteria: ACMG Guidelines, 2015. Collection method: clinical testing. Allele origin: germline.